The following is an entry in ClinVar:

ClinVar aggregate classification (germline): Likely benign (0 of 4 stars; one submission).

Conditions:
DGUOK-related disorder. Also called: DGUOK-related condition.

Submission:

PreventionGenetics, part of Exact Sciences
Classification: Likely benign for DGUOK-related condition. Last evaluated: 2019-11-05. Review status: no assertion criteria provided. Collection method: clinical testing. Allele origin: germline.
Comment: This variant is classified as likely benign based on ACMG/AMP sequence variant interpretation guidelines (Richards et al. 2015 PMID: 25741868, with internal and published modifications).

NM_080916.3(DGUOK):c.444-75TC[6]

Gene: DGUOK (deoxyguanosine kinase; plus strand). Cytogenetic location: 2p13.1.
Variant type: Microsatellite.
Coding change: c.444-75TC[6] on transcript NM_080916.3 (MANE Select); six copies in a row of the 2-base unit TC starting at c.444-75; the reference has seven copies in a row; one copy, 2 bases deleted.
Molecular consequence: intron variant.
Genome position (GRCh38, 1-based): chr2:73,950,522-73,950,523, TC deleted; deleting any 2 consecutive bases within chr2:73,950,510-73,950,523 gives the same sequence; the position shown is the placement nearest the transcript's 3' end. VCF-style (leftmost placement, unchanged base first): chr2-73950509-TTC-T. GRCh37 (hg19) VCF-style: chr2-74177636-TTC-T.
Other names: c.153-75TC[6] (NM_001318861.2, NM_001318860.2); c.135-75TC[6] (NM_001318862.2, NM_001318863.2); c.443+3604TC[6] (NM_080918.3); c.425+3622TC[6] (NM_001318859.2).
Identifiers: ClinVar variation 3055577 (VCV003055577.2), dbSNP rs140339626, ClinGen allele CA50408159.